The following is an entry in ClinVar:

ClinVar aggregate classification (germline): Uncertain significance. Review status: criteria provided, multiple submitters, no conflicts (2 of 4 stars). 2 submissions from 2 submitters: Uncertain significance (2). Last evaluated 2025-11-07.

Conditions:
Inborn genetic diseases. Identifiers: MedGen C0950123, MeSH D030342.

Allele frequency attached by ClinVar (database versions not stated): ESP Exome Variant Server 0.00016; gnomAD 0.00005; ExAC 0.00005; TOPMed 0.00006.
gnomAD v4.1: 76 of 1,613,814 alleles (0.0047%); highest among the groups gnomAD compares: Non-Finnish European, 0.006%; no homozygotes.

Submissions (2):

Mayo Clinic Laboratories, Mayo Clinic
Classification: Uncertain significance. Last evaluated: 2025-11-07. Review status: criteria provided, single submitter. Criteria: ACMG Guidelines, 2015. Collection method: clinical testing. Allele origin: germline. Observed: 1 variant allele.
Comment: BP4_moderate

Ambry Genetics
Classification: Uncertain significance for Inborn genetic diseases. Last evaluated: 2025-06-07. Review status: criteria provided, single submitter. Criteria: Ambry Variant Classification Scheme 2023. Collection method: clinical testing. Allele origin: germline.

NM_016341.4(PLCE1):c.3197A>G (p.Lys1066Arg)

Gene: PLCE1 (phospholipase C epsilon 1; plus strand). Cytogenetic location: 10q23.33.
Variant type: single nucleotide variant.
Coding change: c.3197A>G on transcript NM_016341.4 (MANE Select); coding-DNA position 3197, A replaced by G.
Protein change: p.Lys1066Arg; replaces lysine 1066 with arginine.
Molecular consequence: missense variant.
Genome position (GRCh38, 1-based): chr10:94,252,416, A>G. VCF-style: chr10-94252416-A-G. GRCh37 (hg19) VCF-style: chr10-96012173-A-G.
Other names: p.Lys1066Arg; c.2273A>G, p.Lys758Arg (NM_001165979.2); c.3197A>G, p.Lys1066Arg (NM_001288989.2); short protein forms K758R, K1066R.
Identifiers: ClinVar variation 2554209 (VCV002554209.4), dbSNP rs201554414, ClinGen allele CA5612799.